The following is an entry in ClinVar:

NM_197968.4(ZMYM2):c.4106del (p.Asn1369fs)

Gene: ZMYM2 (zinc finger MYM-type containing 2; plus strand). Cytogenetic location: 13q12.11.
Variant type: Deletion.
Coding change: c.4106del on transcript NM_197968.4 (MANE Select); coding-DNA position 4106, one base deleted (A; older notation c.4106delA).
Protein change: p.Asn1369fs; shifts the reading frame from asparagine 1369.
Molecular consequence: frameshift variant. On other transcripts: non-coding transcript variant (1).
Genome position (GRCh38, 1-based): chr13:20,085,986, A deleted; the last of 2 consecutive A bases (chr13:20,085,985-20,085,986); deleting either gives the same sequence. VCF-style (leftmost placement, unchanged base first): chr13-20085984-CA-C. GRCh37 (hg19) VCF-style: chr13-20660124-CA-C.
Other names: c.4106del, p.Asn1369fs (NM_001190964.4, NM_001190965.4, NM_001353157.2 and 4 more transcripts); c.3911del, p.Asn1304fs (NM_001353161.3); c.3845del, p.Asn1282fs (NM_001353163.2); short protein forms N1282fs, N1304fs, N1369fs.
Identifiers: ClinVar variation 5017301 (VCV005017301.1).
Genomic context (GRCh38, chr13:20,085,984, plus strand): 5'-AAACACCTTGGAAAATATGCTTGTACGGGTTCTTCTAGTAAAAGATATTTATGATAAAGA[CA>C]ATTATGAACTGGATGAAGACACAGACTAAAAAGGAACGTTGCAGAAGCAATCGGGATAAA-3'

ClinVar aggregate classification (germline): Uncertain significance (1 of 4 stars; one submission).

Submission:

GeneDx
Classification: Uncertain significance. Last evaluated: 2026-03-26. Review status: criteria provided, single submitter. Criteria: GeneDx Variant Classification Process June 2021. Collection method: clinical testing. Allele origin: germline.
Comment: Not observed at significant frequency in large population cohorts (gnomAD); Frameshift variant predicted to result in abnormal protein length as the last 9 amino acid(s) are replaced with 56 different amino acid(s); Has not been previously published as pathogenic or benign to our knowledge